The following is an entry in ClinVar:

ClinVar aggregate classification (germline): Likely benign (1 of 4 stars; one submission).

Conditions:
BBS5-related disorder. Also called: BBS5-related condition.

gnomAD v4.1: 1 of 1,612,494 alleles (0.000062%); highest among the groups gnomAD compares: Non-Finnish European, 0.000085%; no homozygotes.

Submission:

PreventionGenetics, part of Exact Sciences
Classification: Likely benign for BBS5-related condition. Last evaluated: 2025-06-10. Review status: criteria provided, single submitter. Criteria: ACMG Guidelines, 2015. Collection method: clinical testing. Allele origin: germline.
Comment: This variant is classified as likely benign based on ACMG/AMP sequence variant interpretation guidelines (Richards et al. 2015 PMID: 25741868, with internal and published modifications).

NM_152384.3(BBS5):c.426A>G (p.Leu142=)

Gene: BBS5 (Bardet-Biedl syndrome 5; plus strand). Cytogenetic location: 2q31.1.
Variant type: single nucleotide variant.
Coding change: c.426A>G on transcript NM_152384.3 (MANE Select); coding-DNA position 426, A replaced by G.
Protein change: p.Leu142=; no amino-acid change (leucine 142 retained).
Molecular consequence: synonymous variant.
Genome position (GRCh38, 1-based): chr2:169,492,913, A>G. VCF-style: chr2-169492913-A-G. GRCh37 (hg19) VCF-style: chr2-170349423-A-G.
Identifiers: ClinVar variation 5001990 (VCV005001990.1).
Genomic context (GRCh38, chr2:169,492,913, plus strand): 5'-TTTGTTTGTTCTTTTTCATAGAGCTTATGAAACTTCTAAAATGTATCGTGATTTTAAATT[A>G]AGAAGTGCACTAATTCAGAACAAGCAACTAAGACTGTTGCCACAAGAACATGTATATGAT-3'
Protein context (NP_689597.1, residues 132-152): ETSKMYRDFK[Leu142=]RSALIQNKQL